The following is an entry in ClinVar:

NM_000297.4(PKD2):c.1095-2_1096del

Gene: PKD2 (polycystin 2, transient receptor potential cation channel; plus strand). Cytogenetic location: 4q22.1.
Variant type: Deletion.
Coding change: c.1095-2_1096del on transcript NM_000297.4 (MANE Select); the canonical splice acceptor site of the intron before coding-DNA position 1095 through coding-DNA position 1096, 4 bases deleted (AGTT; older notation c.1095-2_1096delAGTT).
Molecular consequence: splice acceptor variant. On other transcripts: intron variant (1).
Genome position (GRCh38, 1-based): chr4:88,043,231-88,043,234, AGTT deleted. VCF-style (leftmost placement, unchanged base first): chr4-88043230-CAGTT-C. GRCh37 (hg19) VCF-style: chr4-88964382-CAGTT-C.
Other names: c.1095-3411_1095-3408del (NM_001440544.1).
Identifiers: ClinVar variation 4879720 (VCV004879720.1).
Genomic context (GRCh38, chr4:88,043,230, plus strand): 5'-TGTAATTGCCTCAAGTGTTCCACTGATTGTAACTGTTTGTTTTTTGGTTTTGTTTTTAAT[CAGTT>C]GGATCTACACAAGTGAAAAAGACTTGAATGGTAGTAGCCACTGGGGAATCATTGCAACTT-3'

ClinVar aggregate classification (germline): Likely pathogenic (1 of 4 stars; one submission).

Conditions:
Polycystic kidney disease 2 (PKD2). Also called: Polycystic Kidney Disease 2, Autosomal Dominant; POLYCYSTIC KIDNEY DISEASE, ADULT, TYPE II; POLYCYSTIC KIDNEY DISEASE 2 WITH OR WITHOUT POLYCYSTIC LIVER DISEASE. Identifiers: MedGen C2751306, MONDO:0013131, OMIM 613095.

Submission:

Victorian Clinical Genetics Services, Murdoch Childrens Research Institute
Classification: Likely pathogenic for Polycystic kidney disease 2. Last evaluated: 2026-05-26. Review status: criteria provided, single submitter. Criteria: ACMG Guidelines, 2015. Collection method: clinical testing. Allele origin: germline. Affected: yes.
Comment: This variant is classified as Likely pathogenic. Evidence in support of pathogenic classification: Canonical splice site variant without proven consequence on splicing (no functional evidence available); Variant is absent from gnomAD (v2, v3 and v4); Other splice region variant(s) comparable to the one identified in this case have very strong previous evidence for pathogenicity. c.1095-1G>T, c.1095-2A>T and c.1095-2A>C have been classified as likely pathogenic or pathogenic by clinical laboratories in ClinVar. Additionally, c.1095-1G>C has been classified as pathogenic in an individual with polycystic kidneys (VCGS cohort); Abnormal splicing is predicted by in silico tool and affected nucleotide is highly conserved. Additional information: This variant is heterozygous; This gene is associated with autosomal dominant disease; This variant has no previous evidence of pathogenicity; No published evidence of segregation with disease has been identified for this variant; No published functional evidence has been identified for this variant; Loss of function is a known mechanism of disease in this gene and is associated with polycystic kidney disease 2 (MIM#613095); Inheritance information for this variant is not currently available in this individual.